The following is an entry in ClinVar:

NM_032888.4(COL27A1):c.4967T>C (p.Leu1656Pro)

Gene: COL27A1 (collagen type XXVII alpha 1 chain; plus strand). Cytogenetic location: 9q32.
Variant type: single nucleotide variant.
Coding change: c.4967T>C on transcript NM_032888.4 (MANE Select); coding-DNA position 4967, T replaced by C.
Protein change: p.Leu1656Pro; replaces leucine 1656 with proline.
Molecular consequence: missense variant.
Genome position (GRCh38, 1-based): chr9:114,306,548, T>C. VCF-style: chr9-114306548-T-C. GRCh37 (hg19) VCF-style: chr9-117068828-T-C.
Other names: short protein forms L1656P.
Identifiers: ClinVar variation 1031526 (VCV001031526.7), dbSNP rs145069844, ClinGen allele CA5203253.

ClinVar aggregate classification (germline): Uncertain significance. Review status: criteria provided, multiple submitters, no conflicts (2 of 4 stars). 4 submissions from 4 submitters: Uncertain significance (4). Last evaluated 2024-11-26.

Conditions:
Steel syndrome (STLS). Identifiers: Orphanet 438117, MedGen C3554594, MONDO:0014061, OMIM 615155.
Inborn genetic diseases. Identifiers: MedGen C0950123, MeSH D030342.

Allele frequency attached by ClinVar (database versions not stated): gnomAD 0.00014 and 0.00017; 1000 Genomes Project 30x 0.00016; 1000 Genomes Project 0.00020; TOPMed 0.00020; gnomAD exomes 0.00023 and 0.00032; ExAC 0.00026; ESP Exome Variant Server 0.00038.
gnomAD v4.1: 487 of 1,614,024 alleles (0.03%); highest among the groups gnomAD compares: Non-Finnish European, 0.039%; no homozygotes.

Submissions (4):

Blueprint Genetics
Classification: Uncertain significance. Last evaluated: 2024-11-26. Review status: criteria provided, single submitter. Criteria: ACMG Guidelines, 2015. Collection method: clinical testing. Allele origin: germline.

Labcorp Genetics (formerly Invitae), Labcorp
Classification: Uncertain significance. Last evaluated: 2024-11-05. Review status: criteria provided, single submitter. Criteria: Invitae Variant Classification Sherloc (09022015). Collection method: clinical testing. Allele origin: germline.
Comment: This sequence change replaces leucine, which is neutral and non-polar, with proline, which is neutral and non-polar, at codon 1656 of the COL27A1 protein (p.Leu1656Pro). This variant is present in population databases (rs145069844, gnomAD 0.04%). This variant has not been reported in the literature in individuals affected with COL27A1-related conditions. ClinVar contains an entry for this variant (Variation ID: 1031526). Invitae Evidence Modeling of protein sequence and biophysical properties (such as structural, functional, and spatial information, amino acid conservation, physicochemical variation, residue mobility, and thermodynamic stability) indicates that this missense variant is not expected to disrupt COL27A1 protein function with a negative predictive value of 80%. In summary, the available evidence is currently insufficient to determine the role of this variant in disease. Therefore, it has been classified as a Variant of Uncertain Significance.

Ambry Genetics
Classification: Uncertain significance for Inborn genetic diseases. Last evaluated: 2024-06-10. Review status: criteria provided, single submitter. Criteria: Ambry Variant Classification Scheme 2023. Collection method: clinical testing. Allele origin: germline.

Baylor Genetics
Classification: Uncertain significance for Steel syndrome. Last evaluated: 2018-03-21. Review status: criteria provided, single submitter. Criteria: ACMG Guidelines, 2015. Collection method: clinical testing. Allele origin: maternal. Affected: yes.
Comment: This variant was determined to be of uncertain significance according to ACMG Guidelines, 2015 [PMID:25741868].